The following is an entry in ClinVar:

NM_177438.3(DICER1):c.1646C>A (p.Ser549Tyr)

Gene: DICER1 (dicer 1, ribonuclease III; minus strand). Cytogenetic location: 14q32.13.
Variant type: single nucleotide variant.
Coding change: c.1646C>A on transcript NM_177438.3 (MANE Select); coding-DNA position 1646, C replaced by A.
Protein change: p.Ser549Tyr; replaces serine 549 with tyrosine.
Molecular consequence: missense variant. On other transcripts: 5 prime UTR variant (1), non-coding transcript variant (6).
Genome position (GRCh38, 1-based): chr14:95,116,559, G>T on the plus strand (C>A on the coding strand, the complement: DICER1 is on the minus strand). VCF-style: chr14-95116559-G-T. GRCh37 (hg19) VCF-style: chr14-95582896-G-T.
Other names: c.1646C>A, p.Ser549Tyr (NM_001195573.1, NM_001271282.3, NM_001291628.2 and 12 more transcripts); c.1364C>A, p.Ser455Tyr (NM_001395686.1); c.1241C>A, p.Ser414Tyr (NM_001395687.1, NM_001395688.1, NM_001395689.1 and 3 more transcripts); c.1079C>A, p.Ser360Tyr (NM_001395691.1); c.-38C>A (NM_001395697.1); short protein forms S455Y, S360Y, S414Y, S549Y.
Identifiers: ClinVar variation 4637542 (VCV004637542.2).

ClinVar aggregate classification (germline): Uncertain significance. Review status: criteria provided, multiple submitters, no conflicts (2 of 4 stars). 2 submissions from 2 submitters: Uncertain significance (2). Last evaluated 2025-11-20.

Conditions:
Hereditary cancer-predisposing syndrome. Also called: Hereditary neoplastic syndrome; Hereditary Cancer Syndrome; Neoplastic Syndromes, Hereditary; Tumor predisposition. Identifiers: Orphanet 140162, MedGen C0027672, MeSH D009386, MONDO:0015356.
DICER1-related tumor predisposition. Also called: DICER1-related pleuropulmonary blastoma cancer predisposition syndrome; DICER1 syndrome. Identifiers: Orphanet 284343, MedGen C3839822, MONDO:0100216.

gnomAD v4.1: 1 of 1,613,858 alleles (0.000062%); highest among the groups gnomAD compares: Non-Finnish European, 0.000085%; no homozygotes.

Submissions (2):

Ambry Genetics
Classification: Uncertain significance for Hereditary cancer-predisposing syndrome. Last evaluated: 2025-11-20. Review status: criteria provided, single submitter. Criteria: Ambry Variant Classification Scheme 2023. Collection method: clinical testing. Allele origin: germline.
Comment: The p.S549Y variant (also known as c.1646C>A), located in coding exon 9 of the DICER1 gene, results from a C to A substitution at nucleotide position 1646. The serine at codon 549 is replaced by tyrosine, an amino acid with dissimilar properties. This amino acid position is highly conserved in available vertebrate species. In addition, this alteration is predicted to be deleterious by in silico analysis. Based on the available evidence, the clinical significance of this variant remains unclear.

Labcorp Genetics (formerly Invitae), Labcorp
Classification: Uncertain significance for DICER1-related tumor predisposition. Last evaluated: 2025-05-06. Review status: criteria provided, single submitter. Criteria: Invitae Variant Classification Sherloc (09022015). Collection method: clinical testing. Allele origin: germline.
Comment: This sequence change replaces serine, which is neutral and polar, with tyrosine, which is neutral and polar, at codon 549 of the DICER1 protein (p.Ser549Tyr). This variant is not present in population databases (gnomAD no frequency). This variant has not been reported in the literature in individuals affected with DICER1-related conditions. Invitae Evidence Modeling of protein sequence and biophysical properties (such as structural, functional, and spatial information, amino acid conservation, physicochemical variation, residue mobility, and thermodynamic stability) indicates that this missense variant is expected to disrupt DICER1 protein function with a positive predictive value of 95%. In summary, the available evidence is currently insufficient to determine the role of this variant in disease. Therefore, it has been classified as a Variant of Uncertain Significance.